The following is an entry in ClinVar:

NM_001130438.3(SPTAN1):c.1093C>G (p.Arg365Gly)

Gene: SPTAN1 (spectrin alpha, non-erythrocytic 1; plus strand). Cytogenetic location: 9q34.11.
Variant type: single nucleotide variant.
Coding change: c.1093C>G on transcript NM_001130438.3 (MANE Select); coding-DNA position 1093, C replaced by G.
Protein change: p.Arg365Gly; replaces arginine 365 with glycine.
Molecular consequence: missense variant.
Genome position (GRCh38, 1-based): chr9:128,578,117, C>G. VCF-style: chr9-128578117-C-G. GRCh37 (hg19) VCF-style: chr9-131340396-C-G.
Other names: c.1093C>G, p.Arg365Gly (NM_001195532.2, NM_001363759.2, NM_001363765.2 and 1 more transcripts); short protein forms R365G.
Identifiers: ClinVar variation 652268 (VCV000652268.9), dbSNP rs372157740, ClinGen allele CA375051171.

ClinVar aggregate classification (germline): Uncertain significance (1 of 4 stars; one submission).

Conditions:
Early-infantile DEE. Also called: Early infantile epileptic encephalopathy with suppression bursts; Early infantile epileptic encephalopathy; Ohtahara syndrome. Identifiers: Orphanet 1934, MedGen C0393706, MONDO:0800491.

Submission:

Labcorp Genetics (formerly Invitae), Labcorp
Classification: Uncertain significance for Early-infantile DEE. Last evaluated: 2018-09-11. Review status: criteria provided, single submitter. Criteria: Invitae Variant Classification Sherloc (09022015). Collection method: clinical testing. Allele origin: germline.
Comment: In summary, the available evidence is currently insufficient to determine the role of this variant in disease. Therefore, it has been classified as a Variant of Uncertain Significance. Algorithms developed to predict the effect of missense changes on protein structure and function (SIFT, PolyPhen-2, Align-GVGD) all suggest that this variant is likely to be disruptive, but these predictions have not been confirmed by published functional studies and their clinical significance is uncertain. This variant has not been reported in the literature in individuals with SPTAN1-related disease. This variant is not present in population databases (ExAC no frequency). This sequence change replaces arginine with glycine at codon 365 of the SPTAN1 protein (p.Arg365Gly). The arginine residue is highly conserved and there is a moderate physicochemical difference between arginine and glycine.